The following is an entry in ClinVar:

ClinVar aggregate classification (germline): Uncertain significance (1 of 4 stars; one submission).

Allele frequency attached by ClinVar (database versions not stated): gnomAD exomes below 0.00001.
gnomAD v4.1: 4 of 1,612,138 alleles (0.00025%); highest among the groups gnomAD compares: African/African-American, 0.0013%; no homozygotes.

Submission:

CeGaT Center for Human Genetics Tuebingen
Classification: Uncertain significance. Last evaluated: 2022-06-01. Review status: criteria provided, single submitter. Criteria: CeGaT Center For Human Genetics Tuebingen Variant Classification Criteria Version 2. Collection method: clinical testing. Allele origin: germline. Affected: yes. Observed: 1 variant allele.
Comment: PTPN23: PM2, BP4

NM_015466.4(PTPN23):c.2806C>T (p.His936Tyr)

Gene: PTPN23 (protein tyrosine phosphatase non-receptor type 23; plus strand). Cytogenetic location: 3p21.31.
Variant type: single nucleotide variant.
Coding change: c.2806C>T on transcript NM_015466.4 (MANE Select); coding-DNA position 2806, C replaced by T.
Protein change: p.His936Tyr; replaces histidine 936 with tyrosine.
Molecular consequence: missense variant.
Genome position (GRCh38, 1-based): chr3:47,410,604, C>T. VCF-style: chr3-47410604-C-T. GRCh37 (hg19) VCF-style: chr3-47452094-C-T.
Other names: c.2428C>T, p.His810Tyr (NM_001304482.2); short protein forms H810Y, H936Y.
Identifiers: ClinVar variation 1695073 (VCV001695073.31), dbSNP rs1236748257, ClinGen allele CA352560476.